The following is an entry in ClinVar:

ClinVar aggregate classification (germline): Uncertain significance (1 of 4 stars; one submission).

gnomAD v4.1: 1 of 1,614,260 alleles (0.000062%); highest among the groups gnomAD compares: Non-Finnish European, 0.000085%; no homozygotes.

Submission:

Labcorp Genetics (formerly Invitae), Labcorp
Classification: Uncertain significance. Last evaluated: 2023-07-18. Review status: criteria provided, single submitter. Criteria: Invitae Variant Classification Sherloc (09022015). Collection method: clinical testing. Allele origin: germline.
Comment: This sequence change replaces asparagine, which is neutral and polar, with aspartic acid, which is acidic and polar, at codon 1296 of the ARHGAP31 protein (p.Asn1296Asp). This variant is not present in population databases (gnomAD no frequency). This variant has not been reported in the literature in individuals affected with ARHGAP31-related conditions. An algorithm developed to predict the effect of missense changes on protein structure and function (PolyPhen-2) suggests that this variant is likely to be tolerated. In summary, the available evidence is currently insufficient to determine the role of this variant in disease. Therefore, it has been classified as a Variant of Uncertain Significance.

NM_020754.4(ARHGAP31):c.3886A>G (p.Asn1296Asp)

Gene: ARHGAP31 (Rho GTPase activating protein 31; plus strand). Cytogenetic location: 3q13.33.
Variant type: single nucleotide variant.
Coding change: c.3886A>G on transcript NM_020754.4 (MANE Select); coding-DNA position 3886, A replaced by G.
Protein change: p.Asn1296Asp; replaces asparagine 1296 with aspartic acid.
Molecular consequence: missense variant.
Genome position (GRCh38, 1-based): chr3:119,415,815, A>G. VCF-style: chr3-119415815-A-G. GRCh37 (hg19) VCF-style: chr3-119134662-A-G.
Other names: short protein forms N1296D.
Identifiers: ClinVar variation 2744658 (VCV002744658.3), dbSNP rs2472879074, ClinGen allele CA354060876.